The following is an entry in ClinVar:

NM_080546.5(SLC44A1):c.1405G>A (p.Gly469Arg)

Gene: SLC44A1 (solute carrier family 44 member 1; plus strand). Cytogenetic location: 9q31.1.
Variant type: single nucleotide variant.
Coding change: c.1405G>A on transcript NM_080546.5 (MANE Select); coding-DNA position 1405, G replaced by A.
Protein change: p.Gly469Arg; replaces glycine 469 with arginine.
Molecular consequence: missense variant.
Genome position (GRCh38, 1-based): chr9:105,365,634, G>A. VCF-style: chr9-105365634-G-A. GRCh37 (hg19) VCF-style: chr9-108127915-G-A.
Other names: c.1405G>A, p.Gly469Arg (NM_001286730.2, NM_001330731.2); short protein forms G469R.
Identifiers: ClinVar variation 5037957 (VCV005037957.1).

ClinVar aggregate classification (germline): VUS-low (1 of 4 stars; one submission).

Conditions:
Neurodegeneration, childhood-onset, with ataxia, tremor, optic atrophy, and cognitive decline. Identifiers: MedGen C5394335, MONDO:0030028, OMIM 618868.

Submission:

Center for Human Genetics and Genomic Medicine, Uniklinik Rwth Aachen
Classification: VUS-low for Neurodegeneration, childhood-onset, with ataxia, tremor, optic atrophy, and cognitive decline. Last evaluated: 2026-10-01. Review status: criteria provided, single submitter. Criteria: ACMG Guidelines, 2015. Collection method: clinical testing. Allele origin: unknown. Inheritance: Autosomal recessive inheritance. Affected: yes. Observed: 1 variant allele, 1 homozygote.
Comment: This variant has not previously been reported in the literature or the ClinVar database. To date, it has not been detected in the general population (gnomAD v4.1.1) (PM2_Supporting). Bioinformatic prediction tools (REVEL (v2021-05-03), CADD (v1.6); accessed via Alamut Visual Plus v.2.0.1) classify the variant as likely pathogenic (PP3).